The following is an entry in ClinVar:

ClinVar aggregate classification (germline): Uncertain significance. Review status: criteria provided, multiple submitters, no conflicts (2 of 4 stars). 5 submissions from 5 submitters: Uncertain significance (5). Last evaluated 2024-05-21.

Conditions:
Classic or attenuated familial adenomatous polyposis. Identifiers: MedGen CN372698, MONDO:0021057.
Familial adenomatous polyposis 1 (FAP1). Also called: FAMILIAL ADENOMATOUS POLYPOSIS 1, ATTENUATED; POLYPOSIS, ADENOMATOUS INTESTINAL. Identifiers: MedGen C2713442, MONDO:0021056, OMIM 175100. Disease mechanism: loss of function.
Hereditary cancer-predisposing syndrome. Also called: Hereditary Cancer Syndrome; Hereditary neoplastic syndrome; Tumor predisposition; Neoplastic Syndromes, Hereditary. Identifiers: Orphanet 140162, MedGen C0027672, MeSH D009386, MONDO:0015356.

gnomAD v4.1: 1 of 1,613,712 alleles (0.000062%); highest among the groups gnomAD compares: Non-Finnish European, 0.000085%; no homozygotes.

Submissions (5):

Labcorp Genetics (formerly Invitae), Labcorp
Classification: Uncertain significance for Familial adenomatous polyposis 1. Last evaluated: 2024-05-21. Review status: criteria provided, single submitter. Criteria: Invitae Variant Classification Sherloc (09022015). Collection method: clinical testing. Allele origin: germline.
Comment: This sequence change replaces cysteine, which is neutral and slightly polar, with tyrosine, which is neutral and polar, at codon 483 of the APC protein (p.Cys483Tyr). This variant is not present in population databases (gnomAD no frequency). This variant has not been reported in the literature in individuals affected with APC-related conditions. ClinVar contains an entry for this variant (Variation ID: 842960). Advanced modeling of protein sequence and biophysical properties (such as structural, functional, and spatial information, amino acid conservation, physicochemical variation, residue mobility, and thermodynamic stability) performed at Invitae indicates that this missense variant is not expected to disrupt APC protein function with a negative predictive value of 95%. In summary, the available evidence is currently insufficient to determine the role of this variant in disease. Therefore, it has been classified as a Variant of Uncertain Significance.

All of Us Research Program, National Institutes of Health
Classification: Uncertain significance for Classic or attenuated familial adenomatous polyposis. Last evaluated: 2024-04-16. Review status: criteria provided, single submitter. Criteria: ACMG Guidelines, 2015. Collection method: clinical testing. Allele origin: germline. Inheritance: Autosomal dominant inheritance. Observed: 2 variant alleles, 2 heterozygotes.
Comment: This missense variant replaces cysteine with tyrosine at codon 483 of the APC protein. Computational prediction suggests that this variant may not impact protein structure and function (internally defined REVEL score threshold <= 0.5, PMID: 27666373). To our knowledge, functional studies have not been reported for this variant. This variant has not been reported in individuals affected with APC-related disorders in the literature. This variant has not been identified in the general population by the Genome Aggregation Database (gnomAD). The available evidence is insufficient to determine the role of this variant in disease conclusively. Therefore, this variant is classified as a Variant of Uncertain Significance.

This study involves interpretation of variants in research participants for the purpose of population health screening. Participant phenotype was not available at the time of variant classification. Additional details can be found in publication PMID: 35346344, PMCID: PMC8962531

Color Diagnostics, LLC DBA Color Health
Classification: Uncertain significance for Hereditary cancer-predisposing syndrome. Last evaluated: 2024-02-16. Review status: criteria provided, single submitter. Criteria: ACMG Guidelines, 2015. Collection method: clinical testing. Allele origin: germline.
Comment: This missense variant replaces cysteine with tyrosine at codon 483 of the APC protein. Computational prediction suggests that this variant may not impact protein structure and function. To our knowledge, functional studies have not been reported for this variant. This variant has not been reported in individuals affected with APC-related disorders in the literature. This variant has not been identified in the general population by the Genome Aggregation Database (gnomAD). The available evidence is insufficient to determine the role of this variant in disease conclusively. Therefore, this variant is classified as a Variant of Uncertain Significance.

GeneDx
Classification: Uncertain significance. Last evaluated: 2023-01-09. Review status: criteria provided, single submitter. Criteria: GeneDx Variant Classification Process June 2021. Collection method: clinical testing. Allele origin: germline. Affected: yes.
Comment: Not observed at significant frequency in large population cohorts (gnomAD); In silico analysis supports that this missense variant does not alter protein structure/function; Has not been previously published as pathogenic or benign to our knowledge; This variant is associated with the following publications: (PMID: 18199528)

Ambry Genetics
Classification: Uncertain significance for Hereditary cancer-predisposing syndrome. Last evaluated: 2022-12-09. Review status: criteria provided, single submitter. Criteria: Ambry Variant Classification Scheme 2023. Collection method: clinical testing. Allele origin: germline.
Comment: The p.C483Y variant (also known as c.1448G>A), located in coding exon 11 of the APC gene, results from a G to A substitution at nucleotide position 1448. The cysteine at codon 483 is replaced by tyrosine, an amino acid with highly dissimilar properties. This amino acid position is highly conserved in available vertebrate species. In addition, in silico predictors for this gene do not accurately predict pathogenicity. Since supporting evidence is limited at this time, the clinical significance of this alteration remains unclear.

NM_000038.6(APC):c.1448G>A (p.Cys483Tyr)

Gene: APC (APC regulator of Wnt signaling pathway; plus strand). Cytogenetic location: 5q22.2.
Variant type: single nucleotide variant.
Coding change: c.1448G>A on transcript NM_000038.6 (MANE Select); coding-DNA position 1448, G replaced by A.
Protein change: p.Cys483Tyr; replaces cysteine 483 with tyrosine.
Molecular consequence: missense variant.
Genome position (GRCh38, 1-based): chr5:112,827,147, G>A. VCF-style: chr5-112827147-G-A. GRCh37 (hg19) VCF-style: chr5-112162844-G-A.
Other names: c.1448G>A, p.Cys483Tyr (NM_001127510.3, NM_001354895.2); c.1394G>A, p.Cys465Tyr (NM_001127511.3); c.1502G>A, p.Cys501Tyr (NM_001354896.2); c.1478G>A, p.Cys493Tyr (NM_001354897.2); c.1373G>A, p.Cys458Tyr (NM_001354898.2); c.1364G>A, p.Cys455Tyr (NM_001354899.2); c.1325G>A, p.Cys442Tyr (NM_001354900.2); c.1271G>A, p.Cys424Tyr (NM_001354901.2); and 5 more; short protein forms C323Y, C382Y, C392Y, C483Y, C455Y, C458Y, C465Y, C200Y.
Identifiers: ClinVar variation 842960 (VCV000842960.14), dbSNP rs1763767675, ClinGen allele CA16024473.
Genomic context (GRCh38, chr5:112,827,147, plus strand): 5'-CTCTTGCCCTTTTTAAATTAGGGGGACTACAGGCCATTGCAGAATTATTGCAAGTGGACT[G>A]TGAAATGTATGGGCTTACTAATGACCACTACAGTATTACACTAAGACGATATGCTGGAAT-3'
Protein context (NP_000029.2, residues 473-493): QAIAELLQVD[Cys483Tyr]EMYGLTNDHY